The following is an entry in ClinVar:

ClinVar aggregate classification (germline): Benign/Likely benign. Review status: criteria provided, multiple submitters, no conflicts (2 of 4 stars). 5 submissions from 5 submitters: Benign (4); Likely benign (1). Last evaluated 2026-01-28.

Conditions:
Vanishing white matter disease. Also called: CACH syndrome; Childhood ataxia with diffuse central nervous system hypomyelination; Leukoencephalopathy with vanishing white matter; CACH/VWM syndrome; Cree leukoencehalopathy. Identifiers: Orphanet 135, Orphanet 99853, MedGen C1858991, MONDO:0800448.

Allele frequency attached by ClinVar (database versions not stated): gnomAD exomes 0.00332; ExAC 0.00386; gnomAD 0.01331 and 0.01419; ESP Exome Variant Server 0.01338; 1000 Genomes Project 0.01418; TOPMed 0.01486; 1000 Genomes Project 30x 0.01671.
gnomAD v4.1: 3,974 of 1,613,278 alleles (0.25%); highest among the groups gnomAD compares: African/African-American, 4.6%; 97 homozygotes.

Submissions (9):

Labcorp Genetics (formerly Invitae), Labcorp
Classification: Benign. Last evaluated: 2026-01-28. Review status: criteria provided, single submitter. Criteria: Invitae Variant Classification Sherloc (09022015). Collection method: clinical testing. Allele origin: germline.

Mayo Clinic Laboratories, Mayo Clinic
Classification: Benign. Last evaluated: 2025-06-04. Review status: criteria provided, single submitter. Criteria: ACMG Guidelines, 2015. Collection method: clinical testing. Allele origin: germline. Observed: 1 variant allele.
Comment: BS1, BS2, BP4, BP7

Illumina Laboratory Services, Illumina
Classification: Benign for Leukoencephalopathy with vanishing white matter 1. Last evaluated: 2018-01-12. Review status: criteria provided, single submitter. Criteria: ICSL Variant Classification Criteria 13 December 2019. Collection method: clinical testing. Allele origin: germline.
Comment: This variant was observed in the ICSL laboratory as part of a predisposition screen in an ostensibly healthy population. It had not been previously curated by ICSL or reported in the Human Gene Mutation Database (HGMD: prior to June 1st, 2018), and was therefore a candidate for classification through an automated scoring system. Utilizing variant allele frequency, disease prevalence and penetrance estimates, and inheritance mode, an automated score was calculated to assess if this variant is too frequent to cause the disease. Based on the score and internal cut-off values, a variant classified as benign is not then subjected to further curation. The score for this variant resulted in a classification of benign for this disease.

Center for Pediatric Genomic Medicine, Children's Mercy Hospital and Clinics
Classification: Likely benign. Last evaluated: 2017-06-12. Review status: criteria provided, single submitter. Criteria: ACMG Guidelines, 2015. Collection method: clinical testing. Allele origin: germline.

PreventionGenetics, part of Exact Sciences
Classification: Benign. Review status: criteria provided, single submitter. Criteria: ACMG Guidelines, 2015. Collection method: clinical testing. Allele origin: germline.

Dr. Peter K. Rogan Lab, Western University
No classification provided (evidence only). Condition: Uterine corpus endometrial carcinoma. Review status: no classification provided. Collection method: in vitro. Allele origin: not applicable. Functional consequence: retained intron. Not counted in ClinVar's aggregate classification.

Dr. Peter K. Rogan Lab, Western University
No classification provided (evidence only). Condition: Sarcoma. Review status: no classification provided. Collection method: in vitro. Allele origin: not applicable. Functional consequence: retained intron. Not counted in ClinVar's aggregate classification.

Dr. Peter K. Rogan Lab, Western University
No classification provided (evidence only). Condition: Gastric cancer. Review status: no classification provided. Collection method: in vitro. Allele origin: not applicable. Functional consequence: retained intron. Not counted in ClinVar's aggregate classification.

Dr. Peter K. Rogan Lab, Western University
No classification provided (evidence only). Condition: Malignant tumor of esophagus. Review status: no classification provided. Collection method: in vitro. Allele origin: not applicable. Functional consequence: retained intron. Not counted in ClinVar's aggregate classification.

NM_020365.5(EIF2B3):c.975+9A>G

Gene: EIF2B3 (eukaryotic translation initiation factor 2B subunit gamma; minus strand). Cytogenetic location: 1p34.1.
Variant type: single nucleotide variant.
Coding change: c.975+9A>G on transcript NM_020365.5 (MANE Select); 9 bases into the intron after coding-DNA position 975, A replaced by G.
Molecular consequence: intron variant.
Genome position (GRCh38, 1-based): chr1:44,879,809, T>C on the plus strand (A>G on the coding strand, the complement: EIF2B3 is on the minus strand). VCF-style: chr1-44879809-T-C. GRCh37 (hg19) VCF-style: chr1-45345481-T-C.
Other names: p.?; c.975+9A>G (NM_001261418.2, NM_001166588.3).
Identifiers: ClinVar variation 261224 (VCV000261224.19), dbSNP rs79174967, ClinGen allele CA823877.
Genomic context (GRCh38, chr1:44,879,809, plus strand): 5'-AGAAACAGACAAGTGGCTCAGTCTGTTTCTAGGACAAGAGCCCCATGATTTTCTAACTCA[T>C]GCTCTCACCTGTCTGTTTGCTTCCATGTAGAGTCCCAGTGTGCTCACTCGAGAGCAGAGC-3'